The following is an entry in ClinVar:

NM_006946.4(SPTBN2):c.2605GAG[1] (p.Glu870del)

Gene: SPTBN2 (spectrin beta, non-erythrocytic 2; minus strand). Cytogenetic location: 11q13.2.
Variant type: Microsatellite.
Coding change: c.2605GAG[1] on transcript NM_006946.4 (MANE Select); one copy of the 3-base unit GAG starting at c.2605; the reference has two copies in a row; one copy, 3 bases deleted.
Protein change: p.Glu870del; deletes glutamic acid 870.
Molecular consequence: inframe deletion.
Genome position (GRCh38, 1-based): chr11:66,704,666-66,704,668, CTC deleted on the plus strand (GAG on the coding strand, the reverse complement: SPTBN2 is on the minus strand); deleting any 3 consecutive bases within chr11:66,704,666-66,704,672 gives the same sequence; the position shown is the placement nearest the transcript's 3' end. VCF-style (leftmost placement, unchanged base first): chr11-66704665-TCTC-T. GRCh37 (hg19) VCF-style: chr11-66472136-TCTC-T.
Other names: c.2626GAG[1], p.Glu877del (NM_001411025.1); short protein forms E870del, E877del.
Identifiers: ClinVar variation 2684348 (VCV002684348.1), dbSNP rs2496264014, ClinGen allele CA2695214908.

ClinVar aggregate classification (germline): Likely pathogenic (1 of 4 stars; one submission).

Submission:

Athena Diagnostics
Classification: Likely pathogenic. Last evaluated: 2022-09-26. Review status: criteria provided, single submitter. Criteria: Athena Diagnostics Criteria. Collection method: clinical testing. Allele origin: unknown.
Comment: This variant appears to segregate with disease in at least one family with autosomal dominant spinocerebellar ataxia. This variant has not been reported in large, multi-ethnic general populations.

Literature cited by the submitters: PubMed 25142508; PubMed 33797620; PubMed 31617442; PubMed 28636205.